The following is an entry in ClinVar:

ClinVar aggregate classification (germline): Uncertain significance (1 of 4 stars; one submission).

Allele frequency attached by ClinVar (database versions not stated): gnomAD 0.00001; gnomAD exomes 0.00002; TOPMed 0.00002; ExAC 0.00004.
gnomAD v4.1: 30 of 1,553,014 alleles (0.0019%); highest among the groups gnomAD compares: Non-Finnish European, 0.0025%; no homozygotes.

Submission:

Labcorp Genetics (formerly Invitae), Labcorp
Classification: Uncertain significance. Last evaluated: 2022-12-16. Review status: criteria provided, single submitter. Criteria: Invitae Variant Classification Sherloc (09022015). Collection method: clinical testing. Allele origin: germline.
Comment: In summary, the available evidence is currently insufficient to determine the role of this variant in disease. Therefore, it has been classified as a Variant of Uncertain Significance. Algorithms developed to predict the effect of missense changes on protein structure and function (SIFT, PolyPhen-2, Align-GVGD) all suggest that this variant is likely to be tolerated. This variant has not been reported in the literature in individuals affected with NIN-related conditions. This variant is present in population databases (rs779537672, gnomAD 0.01%). This sequence change replaces threonine, which is neutral and polar, with proline, which is neutral and non-polar, at codon 1459 of the NIN protein (p.Thr1459Pro).

NM_020921.4(NIN):c.4375A>C (p.Thr1459Pro)

Gene: NIN (ninein; minus strand). Cytogenetic location: 14q22.1.
Variant type: single nucleotide variant.
Coding change: c.4375A>C on transcript NM_020921.4 (MANE Select); coding-DNA position 4375, A replaced by C.
Protein change: p.Thr1459Pro; replaces threonine 1459 with proline.
Molecular consequence: missense variant. On other transcripts: intron variant (1).
Genome position (GRCh38, 1-based): chr14:50,756,655, T>G on the plus strand (A>C on the coding strand, the complement: NIN is on the minus strand). VCF-style: chr14-50756655-T-G. GRCh37 (hg19) VCF-style: chr14-51223373-T-G.
Other names: c.4375A>C, p.Thr1459Pro (NM_182944.3, NM_182946.2); c.2400-1788A>C (NM_016350.5); short protein forms T1459P.
Identifiers: ClinVar variation 3019900 (VCV003019900.3), dbSNP rs779537672, ClinGen allele CA7181611.
Genomic context (GRCh38, chr14:50,756,655, plus strand): 5'-TTTGCTTAACTAAAATAGTGACTCTCTCCTTCAACTTCCTAGTCAGCTCCTGTAACTTTG[T>G]TTTCTCCAGTTCTAACTCTGCTATGGTGGCCTGATGCTGAAAATGTTTGTCTTGAAAGCC-3'
Protein context (NP_065972.4, residues 1449-1469): ATIAELELEK[Thr1459Pro]KLQELTRKLK